The following is an entry in ClinVar:

NM_000152.5(GAA):c.1715A>C (p.His572Pro)

Gene: GAA (alpha glucosidase; plus strand). Cytogenetic location: 17q25.3.
Variant type: single nucleotide variant.
Coding change: c.1715A>C on transcript NM_000152.5 (MANE Select); coding-DNA position 1715, A replaced by C.
Protein change: p.His572Pro; replaces histidine 572 with proline.
Molecular consequence: missense variant.
Genome position (GRCh38, 1-based): chr17:80,112,061, A>C. VCF-style: chr17-80112061-A-C. GRCh37 (hg19) VCF-style: chr17-78085860-A-C.
Other names: c.1715A>C, p.His572Pro (NM_001079803.3, NM_001079804.3); short protein forms H572P.
Identifiers: ClinVar variation 863965 (VCV000863965.12), dbSNP rs1424756308, ClinGen allele CA401369052.
Genomic context (GRCh38, chr17:80,112,061, plus strand): 5'-TCCAGGCGGCCACCATCTGTGCCTCCAGCCACCAGTTTCTCTCCACACACTACAACCTGC[A>C]CAACCTCTACGGCCTGACCGAAGCCATCGCCTCCCACAGGTGAGGGCCACGTCCCGCCCC-3'
Protein context (NP_000143.2, residues 562-582): HQFLSTHYNL[His572Pro]NLYGLTEAIA

ClinVar aggregate classification (germline): Uncertain significance. Review status: criteria provided, multiple submitters, no conflicts (2 of 4 stars). 2 submissions from 2 submitters: Uncertain significance (2). Last evaluated 2026-07-01.

Conditions:
Glycogen storage disease, type II (IOPD). Also called: Glycogen storage disease type 2; Acid maltase deficiency disease; Aglucosidase alfa; Deficiency of alpha-glucosidase; Deficiency of lysosomal alpha-glucosidase; POMPE DISEASE, INFANTILE-ONSET. Identifiers: Orphanet 365, MedGen C0017921, MONDO:0009290, OMIM 232300.

Allele frequency attached by ClinVar (database versions not stated): gnomAD exomes below 0.00001.

Submissions (2):

Genomenon, Inc
Classification: Uncertain significance for Glycogen storage disease, type II. Last evaluated: 2026-07-01. Review status: criteria provided, single submitter. Criteria: Genomenon Sequence Variant Interpretation Standards - Updated. Collection method: curation. Allele origin: germline. Affected: no.
Comment: GAA p.His572Pro (c.1715A>C) is a missense variant that changes the amino acid at codon 572 from Histidine to Proline. This variant has been reported in the published literature (PMID:33301762). The presence of pathogenic/likely pathogenic missense variant(s) at the same amino acid position indicates that this residue is likely important for protein function. It is absent or not present at a significant frequency in gnomAD. In silico models predict that this variant is possibly or probably damaging. In conclusion, we classify GAA p.His572Pro (c.1715A>C) as a variant of uncertain significance.

Labcorp Genetics (formerly Invitae), Labcorp
Classification: Uncertain significance for Glycogen storage disease, type II. Last evaluated: 2019-12-22. Review status: criteria provided, single submitter. Criteria: Invitae Variant Classification Sherloc (09022015). Collection method: clinical testing. Allele origin: germline.
Comment: In summary, the available evidence is currently insufficient to determine the role of this variant in disease. Therefore, it has been classified as a Variant of Uncertain Significance. Algorithms developed to predict the effect of missense changes on protein structure and function are either unavailable or do not agree on the potential impact of this missense change (SIFT: "Deleterious"; PolyPhen-2: "Probably Damaging"; Align-GVGD: "Class C0"). This variant has not been reported in the literature in individuals with GAA-related conditions. This variant is not present in population databases (ExAC no frequency). This sequence change replaces histidine with proline at codon 572 of the GAA protein (p.His572Pro). The histidine residue is highly conserved and there is a moderate physicochemical difference between histidine and proline.

Literature cited by the submitters: PubMed 33301762 (cited by Genomenon, Inc).